The following is an entry in ClinVar:

NM_017882.3(CLN6):c.486+51C>T

Gene: CLN6 (CLN6 transmembrane ER protein; minus strand). Cytogenetic location: 15q23.
Variant type: single nucleotide variant.
Coding change: c.486+51C>T on transcript NM_017882.3 (MANE Select); 51 bases into the intron after coding-DNA position 486, C replaced by T.
Molecular consequence: intron variant.
Genome position (GRCh38, 1-based): chr15:68,211,624, G>A on the plus strand (C>T on the coding strand, the complement: CLN6 is on the minus strand). VCF-style: chr15-68211624-G-A. GRCh37 (hg19) VCF-style: chr15-68503962-G-A.
Identifiers: ClinVar variation 673218 (VCV000673218.2), dbSNP rs8024979, ClinGen allele CA7630592.

ClinVar aggregate classification (germline): Benign. Review status: criteria provided, multiple submitters, no conflicts (2 of 4 stars). 2 submissions from 2 submitters: Benign (2). Last evaluated 2018-06-14.

Allele frequency attached by ClinVar (database versions not stated): gnomAD exomes 0.02425; ExAC 0.02723; gnomAD 0.06809 and 0.07213; ESP Exome Variant Server 0.07588; 1000 Genomes Project 0.07608; TOPMed 0.07733; 1000 Genomes Project 30x 0.08057.
gnomAD v4.1: 32,688 of 1,609,498 alleles (2%); highest among the groups gnomAD compares: African/African-American, 21%; 1,932 homozygotes.

Submissions (2):

GeneDx
Classification: Benign. Last evaluated: 2018-06-14. Review status: criteria provided, single submitter. Criteria: GeneDx Variant Classification (06012015). Collection method: clinical testing. Allele origin: germline. Affected: yes.
Comment: This variant is considered likely benign or benign based on one or more of the following criteria: it is a conservative change, it occurs at a poorly conserved position in the protein, it is predicted to be benign by multiple in silico algorithms, and/or has population frequency not consistent with disease.

Breakthrough Genomics
Classification: Benign. Review status: criteria provided, single submitter. Criteria: ACMG Guidelines, 2015. Collection method: not provided. Allele origin: germline. Inheritance: Autosomal recessive inheritance. Affected: yes.